The following is an entry in ClinVar:

ClinVar aggregate classification (germline): Likely benign. Review status: criteria provided, multiple submitters, no conflicts (2 of 4 stars). 3 submissions from 3 submitters: Likely benign (2). 1 of the submissions does not count toward it. Last evaluated 2024-12-08.

Conditions:
FANCA-related disorder. Also called: FANCA-related condition.
Inborn genetic diseases. Identifiers: MedGen C0950123, MeSH D030342.
Fanconi anemia (FA). Also called: Fanconi's anemia. Identifiers: Orphanet 84, MedGen C0015625, MeSH D005199, MONDO:0019391.

gnomAD v4.1: 1 of 1,614,034 alleles (0.000062%); highest among the groups gnomAD compares: Non-Finnish European, 0.000085%; no homozygotes.

Submissions (3):

Ambry Genetics
Classification: Likely benign for Inborn genetic diseases. Last evaluated: 2024-12-08. Review status: criteria provided, single submitter. Criteria: Ambry Variant Classification Scheme 2023. Collection method: clinical testing. Allele origin: germline.

Labcorp Genetics (formerly Invitae), Labcorp
Classification: Likely benign for Fanconi anemia. Last evaluated: 2024-02-22. Review status: criteria provided, single submitter. Criteria: Invitae Variant Classification Sherloc (09022015). Collection method: clinical testing. Allele origin: germline.

PreventionGenetics, part of Exact Sciences
Classification: Likely benign for FANCA-related condition. Last evaluated: 2019-08-20. Review status: no assertion criteria provided. Collection method: clinical testing. Allele origin: germline. Not counted in ClinVar's aggregate classification.
Comment: This variant is classified as likely benign based on ACMG/AMP sequence variant interpretation guidelines (Richards et al. 2015 PMID: 25741868, with internal and published modifications).

NM_000135.4(FANCA):c.1437A>G (p.Glu479=)

Gene: FANCA (FA complementation group A; minus strand). Cytogenetic location: 16q24.3.
Variant type: single nucleotide variant.
Coding change: c.1437A>G on transcript NM_000135.4 (MANE Select); coding-DNA position 1437, A replaced by G.
Protein change: p.Glu479=; no amino-acid change (glutamic acid 479 retained).
Molecular consequence: synonymous variant.
Genome position (GRCh38, 1-based): chr16:89,784,887, T>C on the plus strand (A>G on the coding strand, the complement: FANCA is on the minus strand). VCF-style: chr16-89784887-T-C. GRCh37 (hg19) VCF-style: chr16-89851295-T-C.
Other names: c.1437A>G, p.Glu479= (NM_001286167.3); c.1437A>G (NM_000135.2).
Identifiers: ClinVar variation 1120959 (VCV001120959.12), dbSNP rs2143476678, ClinGen allele CA497191215.
Genomic context (GRCh38, chr16:89,784,887, plus strand): 5'-TCATGGATGTGGCAGCCAGCTTCTCACCTGCAGGTACCGGGGAGACTCAAAAGGCACGAG[T>C]TCTGACAAGAACGTAAACAGGAAGACCAGGGCCTTCTTGCTGCAGCCATGGTAGCCTCGT-3'
Protein context (NP_000126.2, residues 469-489): ALVFLFTFLS[Glu479=]LVPFESPRYL